The following is an entry in ClinVar:

NM_006915.3(RP2):c.955T>C (p.Phe319Leu)

Gene: RP2 (RP2 activator of ARL3 GTPase; plus strand). Cytogenetic location: Xp11.3.
Variant type: single nucleotide variant.
Coding change: c.955T>C on transcript NM_006915.3 (MANE Select); coding-DNA position 955, T replaced by C.
Protein change: p.Phe319Leu; replaces phenylalanine 319 with leucine.
Molecular consequence: missense variant.
Genome position (GRCh38, 1-based): chrX:46,877,576, T>C. VCF-style: chrX-46877576-T-C. GRCh37 (hg19) VCF-style: chrX-46737011-T-C.
Other names: short protein forms F319L.
Identifiers: ClinVar variation 1503889 (VCV001503889.5), dbSNP rs2147089319, ClinGen allele CA413036310.
Genomic context (GRCh38, chrX:46,877,576, plus strand): 5'-GCCTTGGAGTTTAATGGGGATGGTGCTGTAGAAGTATGTCAACTTATTGTAAACGAGATA[T>C]TCAATGGGACCAAGGTACAAGATTTTATTGACTGTATTTCAATCTAACTTTTCATTTCAT-3'
Protein context (NP_008846.2, residues 309-329): EVCQLIVNEI[Phe319Leu]NGTKMFVSES

ClinVar aggregate classification (germline): Uncertain significance (1 of 4 stars; one submission).

gnomAD v4.1: 1 of 1,179,498 alleles (0.000085%); no homozygotes.

Submission:

Labcorp Genetics (formerly Invitae), Labcorp
Classification: Uncertain significance. Last evaluated: 2024-10-15. Review status: criteria provided, single submitter. Criteria: Invitae Variant Classification Sherloc (09022015). Collection method: clinical testing. Allele origin: germline.
Comment: This sequence change replaces phenylalanine, which is neutral and non-polar, with leucine, which is neutral and non-polar, at codon 319 of the RP2 protein (p.Phe319Leu). This variant is not present in population databases (gnomAD no frequency). This variant has not been reported in the literature in individuals affected with RP2-related conditions. ClinVar contains an entry for this variant (Variation ID: 1503889). Invitae Evidence Modeling of protein sequence and biophysical properties (such as structural, functional, and spatial information, amino acid conservation, physicochemical variation, residue mobility, and thermodynamic stability) has been performed for this missense variant. However, the output from this modeling did not meet the statistical confidence thresholds required to predict the impact of this variant on RP2 protein function. In summary, the available evidence is currently insufficient to determine the role of this variant in disease. Therefore, it has been classified as a Variant of Uncertain Significance.